The following is an entry in ClinVar:

NM_006876.3(B4GAT1):c.589A>G (p.Ile197Val)

Gene: B4GAT1 (beta-1,4-glucuronyltransferase 1; minus strand). Cytogenetic location: 11q13.2.
Variant type: single nucleotide variant.
Coding change: c.589A>G on transcript NM_006876.3 (MANE Select); coding-DNA position 589, A replaced by G.
Protein change: p.Ile197Val; replaces isoleucine 197 with valine.
Molecular consequence: missense variant.
Genome position (GRCh38, 1-based): chr11:66,346,957, T>C on the plus strand (A>G on the coding strand, the complement: B4GAT1 is on the minus strand). VCF-style: chr11-66346957-T-C. GRCh37 (hg19) VCF-style: chr11-66114428-T-C.
Other names: short protein forms I197V.
Identifiers: ClinVar variation 2628662 (VCV002628662.1), dbSNP rs2495386192, ClinGen allele CA381418079.

ClinVar aggregate classification (germline): Uncertain significance (1 of 4 stars; one submission).

Conditions:
B4GAT1-related disorder. Also called: B4GAT1-related condition.

Submission:

PreventionGenetics, part of Exact Sciences
Classification: Uncertain significance for B4GAT1-related condition. Last evaluated: 2023-02-03. Review status: criteria provided, single submitter. Criteria: ACMG Guidelines, 2015. Collection method: clinical testing. Allele origin: germline.
Comment: The B4GAT1 c.589A>G variant is predicted to result in the amino acid substitution p.Ile197Val. To our knowledge, this variant has not been reported in the literature or in a large population database, indicating this variant is rare. At this time, the clinical significance of this variant is uncertain due to the absence of conclusive functional and genetic evidence.